The following is an entry in ClinVar:

ClinVar aggregate classification (germline): Uncertain significance. Review status: criteria provided, multiple submitters, no conflicts (2 of 4 stars). 2 submissions from 2 submitters: Uncertain significance (2). Last evaluated 2024-09-28.

Allele frequency attached by ClinVar (database versions not stated): TOPMed 0.00002.
gnomAD v4.1: 70 of 1,613,360 alleles (0.0043%); highest among the groups gnomAD compares: Admixed American, 0.01%; no homozygotes.

Submissions (2):

Labcorp Genetics (formerly Invitae), Labcorp
Classification: Uncertain significance. Last evaluated: 2024-09-28. Review status: criteria provided, single submitter. Criteria: Invitae Variant Classification Sherloc (09022015). Collection method: clinical testing. Allele origin: germline.
Comment: This sequence change replaces arginine, which is basic and polar, with proline, which is neutral and non-polar, at codon 201 of the SPP2 protein (p.Arg201Pro). This variant is present in population databases (rs201364588, gnomAD 0.003%). This variant has not been reported in the literature in individuals affected with SPP2-related conditions. ClinVar contains an entry for this variant (Variation ID: 1022977). An algorithm developed to predict the effect of missense changes on protein structure and function (PolyPhen-2) suggests that this variant is likely to be disruptive. In summary, the available evidence is currently insufficient to determine the role of this variant in disease. Therefore, it has been classified as a Variant of Uncertain Significance.

Ambry Genetics
Classification: Uncertain significance. Last evaluated: 2023-12-19. Review status: criteria provided, single submitter. Criteria: Ambry Variant Classification Scheme 2023. Collection method: clinical testing. Allele origin: germline.

NM_006944.3(SPP2):c.602G>C (p.Arg201Pro)

Gene: SPP2 (secreted phosphoprotein 2; plus strand). Cytogenetic location: 2q37.1.
Variant type: single nucleotide variant.
Coding change: c.602G>C on transcript NM_006944.3 (MANE Select); coding-DNA position 602, G replaced by C.
Protein change: p.Arg201Pro; replaces arginine 201 with proline.
Molecular consequence: missense variant.
Genome position (GRCh38, 1-based): chr2:234,069,979, G>C. VCF-style: chr2-234069979-G-C. GRCh37 (hg19) VCF-style: chr2-234978623-G-C.
Other names: c.602G>C (NM_006944.2); short protein forms R201P.
Identifiers: ClinVar variation 1022977 (VCV001022977.7), dbSNP rs201364588, ClinGen allele CA2183279.